The following is an entry in ClinVar:

ClinVar aggregate classification (germline): Likely benign. Review status: criteria provided, multiple submitters, no conflicts (2 of 4 stars). 3 submissions from 3 submitters: Likely benign (3). Last evaluated 2024-07-30.

Conditions:
RYR1-related disorder. Also called: RYR1-related disorders; RYR1-related condition. Identifiers: MedGen CN239331.
Malignant hyperthermia, susceptibility to, 1 (MHS1). Also called: Anesthesia related hyperthermia; Malignant hyperpyrexia; Fulminating hyperpyrexia; Pharmacogenic myopathy; RYR1-Related Malignant Hyperthermia Susceptibility; Malignant hyperthermia suceptibility 1. Identifiers: Orphanet 423, MedGen C2930980, MONDO:0007783, OMIM 145600.

Allele frequency attached by ClinVar (database versions not stated): gnomAD exomes 0.00001 and 0.00002; TOPMed 0.00001; gnomAD 0.00002; ExAC 0.00003.
gnomAD v4.1: 13 of 1,613,848 alleles (0.00081%); highest among the groups gnomAD compares: East Asian, 0.0045%; no homozygotes.

Submissions (3):

Labcorp Genetics (formerly Invitae), Labcorp
Classification: Likely benign for RYR1-related disorder. Last evaluated: 2024-07-30. Review status: criteria provided, single submitter. Criteria: Invitae Variant Classification Sherloc (09022015). Collection method: clinical testing. Allele origin: germline.

All of Us Research Program, National Institutes of Health
Classification: Likely benign for Malignant hyperthermia, susceptibility to, 1. Last evaluated: 2024-04-16. Review status: criteria provided, single submitter. Criteria: ACMG Guidelines, 2015. Collection method: clinical testing. Allele origin: germline. Inheritance: Autosomal dominant inheritance. Observed: 6 variant alleles, 6 heterozygotes.
Comment: This study involves interpretation of variants in research participants for the purpose of population health screening. Participant phenotype was not available at the time of variant classification. Additional details can be found in publication PMID: 35346344, PMCID: PMC8962531

Color Diagnostics, LLC DBA Color Health
Classification: Likely benign for Malignant hyperthermia, susceptibility to, 1. Last evaluated: 2022-11-06. Review status: criteria provided, single submitter. Criteria: ACMG Guidelines, 2015. Collection method: clinical testing. Allele origin: germline.

NM_000540.3(RYR1):c.1104C>T (p.Leu368=)

Gene: RYR1 (ryanodine receptor 1; plus strand). Cytogenetic location: 19q13.2.
Variant type: single nucleotide variant.
Coding change: c.1104C>T on transcript NM_000540.3 (MANE Select); coding-DNA position 1104, C replaced by T.
Protein change: p.Leu368=; no amino-acid change (leucine 368 retained).
Molecular consequence: synonymous variant.
Genome position (GRCh38, 1-based): chr19:38,448,795, C>T. VCF-style: chr19-38448795-C-T. GRCh37 (hg19) VCF-style: chr19-38939435-C-T.
Other names: c.1104C>T, p.Leu368= (NM_001042723.2).
Identifiers: ClinVar variation 1089461 (VCV001089461.11), dbSNP rs753221270, ClinGen allele CA055761.